The following is an entry in ClinVar:

NM_001134407.3(GRIN2A):c.1006C>A (p.Pro336Thr)

Gene: GRIN2A (glutamate ionotropic receptor NMDA type subunit 2A; minus strand). Cytogenetic location: 16p13.2.
Variant type: single nucleotide variant.
Coding change: c.1006C>A on transcript NM_001134407.3 (MANE Select); coding-DNA position 1006, C replaced by A.
Protein change: p.Pro336Thr; replaces proline 336 with threonine.
Molecular consequence: missense variant.
Genome position (GRCh38, 1-based): chr16:9,937,960, G>T on the plus strand (C>A on the coding strand, the complement: GRIN2A is on the minus strand). VCF-style: chr16-9937960-G-T. GRCh37 (hg19) VCF-style: chr16-10031817-G-T.
Other names: c.1006C>A, p.Pro336Thr (NM_000833.5, NM_001134408.2); short protein forms P336T.
Identifiers: ClinVar variation 2432286 (VCV002432286.4), dbSNP rs148511104, ClinGen allele CA7896855.
Genomic context (GRCh38, chr16:9,937,960, plus strand): 5'-AAACAATGACAACAGCAAAACTCTGATCCCACTTTGGGAGACAACAAGCCCTTTCTTACG[G>T]GTGCAAGGTGTGCATCGGGACCTCTGGCCTCTCCATCTGCCCGTAGCAGCTGGCCTTGGC-3'
Protein context (NP_001127879.1, residues 326-346): RPEVPMHTLH[Pro336Thr]FMVNVTWDGK

ClinVar aggregate classification (germline): Uncertain significance. Review status: criteria provided, multiple submitters, no conflicts (2 of 4 stars). 2 submissions from 2 submitters: Uncertain significance (2). Last evaluated 2025-10-07.

Conditions:
Landau-Kleffner syndrome (FESD). Also called: EPILEPSY, FOCAL, WITH SPEECH DISORDER AND WITH OR WITHOUT MENTAL RETARDATION; APHASIA, ACQUIRED, WITH EPILEPSY. Identifiers: Orphanet 1945, Orphanet 725, Orphanet 98818, MedGen C0282512, MONDO:0009509, OMIM 245570.

Allele frequency attached by ClinVar (database versions not stated): 1000 Genomes Project 30x 0.00016; 1000 Genomes Project 0.00020.
gnomAD v4.1: 22 of 1,610,130 alleles (0.0014%); highest among the groups gnomAD compares: East Asian, 0.049%; no homozygotes.

Submissions (2):

Labcorp Genetics (formerly Invitae), Labcorp
Classification: Uncertain significance for Landau-Kleffner syndrome. Last evaluated: 2025-10-07. Review status: criteria provided, single submitter. Criteria: Invitae Variant Classification Sherloc (09022015). Collection method: clinical testing. Allele origin: germline.
Comment: This sequence change replaces proline, which is neutral and non-polar, with threonine, which is neutral and polar, at codon 336 of the GRIN2A protein (p.Pro336Thr). This variant is present in population databases (rs148511104, gnomAD 0.04%). This variant has not been reported in the literature in individuals affected with GRIN2A-related conditions. ClinVar contains an entry for this variant (Variation ID: 2432286). An algorithm developed to predict the effect of missense changes on protein structure and function (PolyPhen-2) suggests that this variant is likely to be tolerated. In summary, the available evidence is currently insufficient to determine the role of this variant in disease. Therefore, it has been classified as a Variant of Uncertain Significance.

Revvity Omics, Revvity
Classification: Uncertain significance for Landau-Kleffner syndrome. Last evaluated: 2021-10-01. Review status: criteria provided, single submitter. Criteria: ACMG Guidelines, 2015. Collection method: clinical testing. Allele origin: germline.